The following is an entry in ClinVar:

NM_000368.5(TSC1):c.146A>T (p.Tyr49Phe)

Gene: TSC1 (TSC complex subunit 1; minus strand). Cytogenetic location: 9q34.13.
Variant type: single nucleotide variant.
Coding change: c.146A>T on transcript NM_000368.5 (MANE Select); coding-DNA position 146, A replaced by T.
Protein change: p.Tyr49Phe; replaces tyrosine 49 with phenylalanine.
Molecular consequence: missense variant. On other transcripts: intron variant (1).
Genome position (GRCh38, 1-based): chr9:132,927,265, T>A on the plus strand (A>T on the coding strand, the complement: TSC1 is on the minus strand). VCF-style: chr9-132927265-T-A. GRCh37 (hg19) VCF-style: chr9-135802652-T-A.
Other names: c.146A>T, p.Tyr49Phe (NM_001162426.2, NM_001162427.2, NM_001406592.1 and 21 more transcripts); c.-343A>T (NM_001406615.1, NM_001406623.1); c.-310A>T (NM_001406616.1, NM_001406624.1); c.-732A>T (NM_001406626.1, NM_001406627.1, NM_001406628.1); c.-874A>T (NM_001406629.1); c.-948A>T (NM_001406630.1); c.-154+1502A>T (NM_001362177.2); short protein forms Y49F.
Identifiers: ClinVar variation 2162768 (VCV002162768.5), dbSNP rs2539113066, ClinGen allele CA375375155.
Genomic context (GRCh38, chr9:132,927,265, plus strand): 5'-TCATGTGGCTCTTGCAAGGTGGTCAGGATGTGCAATGCCGGCTGAGAGCTGGTTTCCAGG[T>A]AATAATCCACCAAGGTGTTTACAAGCATAGGGCCACGGTCTAAATCAAGAAAAGGGCAAT-3'
Protein context (NP_000359.1, residues 39-59): PMLVNTLVDY[Tyr49Phe]LETSSQPALH

ClinVar aggregate classification (germline): Uncertain significance. Review status: criteria provided, multiple submitters, no conflicts (2 of 4 stars). 2 submissions from 2 submitters: Uncertain significance (2). Last evaluated 2024-04-02.

Conditions:
Tuberous sclerosis 1 (TSC1). Identifiers: Orphanet 805, MedGen C1854465, MONDO:0008612, OMIM 191100.

Submissions (2):

GeneDx
Classification: Uncertain significance. Last evaluated: 2024-04-02. Review status: criteria provided, single submitter. Criteria: GeneDx Variant Classification Process June 2021. Collection method: clinical testing. Allele origin: germline. Affected: yes.
Comment: Not observed at significant frequency in large population cohorts (gnomAD); In silico analysis supports that this missense variant does not alter protein structure/function; Has not been previously published as pathogenic or benign to our knowledge

Labcorp Genetics (formerly Invitae), Labcorp
Classification: Uncertain significance for Tuberous sclerosis 1. Last evaluated: 2022-09-10. Review status: criteria provided, single submitter. Criteria: Invitae Variant Classification Sherloc (09022015). Collection method: clinical testing. Allele origin: germline.
Comment: This sequence change replaces tyrosine, which is neutral and polar, with phenylalanine, which is neutral and non-polar, at codon 49 of the TSC1 protein (p.Tyr49Phe). This variant is not present in population databases (gnomAD no frequency). This variant has not been reported in the literature in individuals affected with TSC1-related conditions. Advanced modeling of protein sequence and biophysical properties (such as structural, functional, and spatial information, amino acid conservation, physicochemical variation, residue mobility, and thermodynamic stability) performed at Invitae indicates that this missense variant is not expected to disrupt TSC1 protein function. In summary, the available evidence is currently insufficient to determine the role of this variant in disease. Therefore, it has been classified as a Variant of Uncertain Significance.